The following is an entry in ClinVar:

ClinVar aggregate classification (germline): Uncertain significance (1 of 4 stars; one submission).

Allele frequency attached by ClinVar (database versions not stated): gnomAD exomes below 0.00001 and 0.00001; gnomAD 0.00001; TOPMed 0.00002; ESP Exome Variant Server 0.00008.
gnomAD v4.1: 3 of 1,607,594 alleles (0.00019%); highest among the groups gnomAD compares: African/African-American, 0.0027%; no homozygotes.

Submission:

Labcorp Genetics (formerly Invitae), Labcorp
Classification: Uncertain significance. Last evaluated: 2022-06-20. Review status: criteria provided, single submitter. Criteria: Invitae Variant Classification Sherloc (09022015). Collection method: clinical testing. Allele origin: germline.
Comment: Variants that disrupt the consensus splice site are a relatively common cause of aberrant splicing (PMID: 17576681, 9536098). Algorithms developed to predict the effect of sequence changes on RNA splicing suggest that this variant is not likely to affect RNA splicing. In summary, the available evidence is currently insufficient to determine the role of this variant in disease. Therefore, it has been classified as a Variant of Uncertain Significance. This variant has not been reported in the literature in individuals affected with LONP1-related conditions. This variant is present in population databases (rs368165299, gnomAD 0.003%). This sequence change falls in intron 17 of the LONP1 gene. It does not directly change the encoded amino acid sequence of the LONP1 protein. It affects a nucleotide within the consensus splice site.

Literature cited by the submitters: PubMed 17576681; PubMed 9536098.

NM_004793.4(LONP1):c.2703+4A>G

Gene: LONP1 (lon peptidase 1, mitochondrial; minus strand). Cytogenetic location: 19p13.3.
Variant type: single nucleotide variant.
Coding change: c.2703+4A>G on transcript NM_004793.4 (MANE Select); 4 bases into the intron after coding-DNA position 2703, A replaced by G.
Molecular consequence: intron variant.
Genome position (GRCh38, 1-based): chr19:5,693,294, T>C on the plus strand (A>G on the coding strand, the complement: LONP1 is on the minus strand). VCF-style: chr19-5693294-T-C. GRCh37 (hg19) VCF-style: chr19-5693305-T-C.
Other names: c.2115+4A>G (NM_001276480.1); c.2511+4A>G (NM_001276479.2).
Identifiers: ClinVar variation 1498407 (VCV001498407.6), dbSNP rs368165299, ClinGen allele CA304607601.